The following is an entry in ClinVar:

NM_001100913.3(PACS2):c.2387G>A (p.Arg796Gln)

Gene: PACS2 (phosphofurin acidic cluster sorting protein 2; plus strand). Cytogenetic location: 14q32.33.
Variant type: single nucleotide variant.
Coding change: c.2387G>A on transcript NM_001100913.3 (MANE Select); coding-DNA position 2387, G replaced by A.
Protein change: p.Arg796Gln; replaces arginine 796 with glutamine.
Molecular consequence: missense variant.
Genome position (GRCh38, 1-based): chr14:105,392,750, G>A. VCF-style: chr14-105392750-G-A. GRCh37 (hg19) VCF-style: chr14-105859087-G-A.
Other names: c.2117G>A, p.Arg706Gln (NM_001243127.3); c.2342G>A, p.Arg781Gln (NM_015197.4); short protein forms R706Q, R781Q, R796Q.
Identifiers: ClinVar variation 2420229 (VCV002420229.6), dbSNP rs146590511, ClinGen allele CA7389255.

ClinVar aggregate classification (germline): Uncertain significance (1 of 4 stars; one submission).

Allele frequency attached by ClinVar (database versions not stated): gnomAD 0.00001; ExAC 0.00003; TOPMed 0.00003; ESP Exome Variant Server 0.00008.
gnomAD v4.1: 51 of 1,612,306 alleles (0.0032%); highest among the groups gnomAD compares: Non-Finnish European, 0.0042%; no homozygotes.

Submission:

Labcorp Genetics (formerly Invitae), Labcorp
Classification: Uncertain significance. Last evaluated: 2025-05-14. Review status: criteria provided, single submitter. Criteria: Invitae Variant Classification Sherloc (09022015). Collection method: clinical testing. Allele origin: germline.
Comment: This sequence change replaces arginine, which is basic and polar, with glutamine, which is neutral and polar, at codon 796 of the PACS2 protein (p.Arg796Gln). This variant is present in population databases (rs146590511, gnomAD 0.007%). This variant has not been reported in the literature in individuals affected with PACS2-related conditions. ClinVar contains an entry for this variant (Variation ID: 2420229). Invitae Evidence Modeling of protein sequence and biophysical properties (such as structural, functional, and spatial information, amino acid conservation, physicochemical variation, residue mobility, and thermodynamic stability) indicates that this missense variant is not expected to disrupt PACS2 protein function with a negative predictive value of 80%. In summary, the available evidence is currently insufficient to determine the role of this variant in disease. Therefore, it has been classified as a Variant of Uncertain Significance.